The following is an entry in ClinVar:

NM_000038.6(APC):c.8344A>G (p.Thr2782Ala)

Gene: APC (APC regulator of Wnt signaling pathway; plus strand). Cytogenetic location: 5q22.2.
Variant type: single nucleotide variant.
Coding change: c.8344A>G on transcript NM_000038.6 (MANE Select); coding-DNA position 8344, A replaced by G.
Protein change: p.Thr2782Ala; replaces threonine 2782 with alanine.
Molecular consequence: missense variant. On other transcripts: non-coding transcript variant (2).
Genome position (GRCh38, 1-based): chr5:112,843,938, A>G. VCF-style: chr5-112843938-A-G. GRCh37 (hg19) VCF-style: chr5-112179635-A-G.
Other names: c.8344A>G, p.Thr2782Ala (NM_001127510.3, NM_001354895.2, NM_001407450.1); c.8290A>G, p.Thr2764Ala (NM_001127511.3); c.8398A>G, p.Thr2800Ala (NM_001354896.2, NM_001407447.1, NM_001407448.1 and 1 more transcripts); c.8374A>G, p.Thr2792Ala (NM_001354897.2); c.8269A>G, p.Thr2757Ala (NM_001354898.2); c.8260A>G, p.Thr2754Ala (NM_001354899.2); c.8221A>G, p.Thr2741Ala (NM_001354900.2); c.8167A>G, p.Thr2723Ala (NM_001354901.2, NM_001407453.1); and 11 more; short protein forms T2782A, T2792A, T2656A, T2691A, T2699A, T2741A, T2757A, T2810A.
Identifiers: ClinVar variation 4767209 (VCV004767209.1).

ClinVar aggregate classification (germline): Uncertain significance (1 of 4 stars; one submission).

Conditions:
Familial adenomatous polyposis 1 (FAP1). Also called: FAMILIAL ADENOMATOUS POLYPOSIS 1, ATTENUATED; POLYPOSIS, ADENOMATOUS INTESTINAL. Identifiers: MedGen C2713442, MONDO:0021056, OMIM 175100. Disease mechanism: loss of function.

Submission:

Labcorp Genetics (formerly Invitae), Labcorp
Classification: Uncertain significance for Familial adenomatous polyposis 1. Last evaluated: 2025-07-03. Review status: criteria provided, single submitter. Criteria: Invitae Variant Classification Sherloc (09022015). Collection method: clinical testing. Allele origin: germline.
Comment: This sequence change replaces threonine, which is neutral and polar, with alanine, which is neutral and non-polar, at codon 2782 of the APC protein (p.Thr2782Ala). This variant is not present in population databases (gnomAD no frequency). This variant has not been reported in the literature in individuals affected with APC-related conditions. Invitae Evidence Modeling of protein sequence and biophysical properties (such as structural, functional, and spatial information, amino acid conservation, physicochemical variation, residue mobility, and thermodynamic stability) indicates that this missense variant is not expected to disrupt APC protein function with a negative predictive value of 95%. In summary, the available evidence is currently insufficient to determine the role of this variant in disease. Therefore, it has been classified as a Variant of Uncertain Significance.